The following is an entry in ClinVar:

ClinVar aggregate classification (germline): Uncertain significance (1 of 4 stars; one submission).

gnomAD v4.1: 1 of 1,612,404 alleles (0.000062%); no homozygotes.

Submission:

Labcorp Genetics (formerly Invitae), Labcorp
Classification: Uncertain significance. Last evaluated: 2022-02-27. Review status: criteria provided, single submitter. Criteria: Invitae Variant Classification Sherloc (09022015). Collection method: clinical testing. Allele origin: germline.
Comment: In summary, the available evidence is currently insufficient to determine the role of this variant in disease. Therefore, it has been classified as a Variant of Uncertain Significance. Algorithms developed to predict the effect of missense changes on protein structure and function (SIFT, PolyPhen-2, Align-GVGD) all suggest that this variant is likely to be tolerated. This variant has not been reported in the literature in individuals affected with MYO7A-related conditions. This variant is not present in population databases (gnomAD no frequency). This sequence change replaces arginine, which is basic and polar, with leucine, which is neutral and non-polar, at codon 244 of the MYO7A protein (p.Arg244Leu).

NM_000260.4(MYO7A):c.731G>T (p.Arg244Leu)

Gene: MYO7A (myosin VIIA; plus strand). Cytogenetic location: 11q13.5.
Variant type: single nucleotide variant.
Coding change: c.731G>T on transcript NM_000260.4 (MANE Select); coding-DNA position 731, G replaced by T.
Protein change: p.Arg244Leu; replaces arginine 244 with leucine.
Molecular consequence: missense variant.
Genome position (GRCh38, 1-based): chr11:77,157,000, G>T. VCF-style: chr11-77157000-G-T. GRCh37 (hg19) VCF-style: chr11-76868046-G-T.
Other names: c.731G>T, p.Arg244Leu (NM_001127180.2); c.698G>T, p.Arg233Leu (NM_001369365.1); short protein forms R233L, R244L.
Identifiers: ClinVar variation 1918666 (VCV001918666.5), dbSNP rs121965081, ClinGen allele CA381932311.